The following is an entry in ClinVar:

NM_002069.6(GNAI1):c.430C>T (p.Arg144Ter)

Gene: GNAI1 (G protein subunit alpha i1; plus strand). Cytogenetic location: 7q21.11.
Variant type: single nucleotide variant.
Coding change: c.430C>T on transcript NM_002069.6 (MANE Select); coding-DNA position 430, C replaced by T.
Protein change: p.Arg144Ter; replaces arginine 144 with a stop codon.
Molecular consequence: nonsense.
Genome position (GRCh38, 1-based): chr7:80,199,351, C>T. VCF-style: chr7-80199351-C-T. GRCh37 (hg19) VCF-style: chr7-79828667-C-T.
Other names: c.274C>T, p.Arg92Ter (NM_001256414.2); short protein forms R144*, R92*.
Identifiers: ClinVar variation 3359147 (VCV003359147.2).

ClinVar aggregate classification (germline): Uncertain significance (1 of 4 stars; one submission).

Conditions:
Neurodevelopmental disorder with hypotonia, impaired speech, and behavioral abnormalities (NEDHISB). Also called: GNAI1-Related Neurodevelopmental Disorder. Identifiers: MedGen C5676975, MONDO:0859243, OMIM 619854.

gnomAD v4.1: 1 of 1,610,556 alleles (0.000062%); highest among the groups gnomAD compares: Non-Finnish European, 0.000085%; no homozygotes.

Submission:

Institute of Human Genetics, University of Leipzig Medical Center
Classification: Uncertain significance for Neurodevelopmental disorder with hypotonia, impaired speech, and behavioral abnormalities. Last evaluated: 2024-09-18. Review status: criteria provided, single submitter. Criteria: ACMG Guidelines, 2015. Collection method: clinical testing. Allele origin: maternal. Inheritance: Autosomal dominant inheritance. Affected: yes.
Comment: Criteria applied: PM2_SUP,PP3